The following is an entry in ClinVar:

NM_001365999.1(SZT2):c.7277C>T (p.Ala2426Val)

Gene: SZT2 (SZT2 subunit of KICSTOR complex; plus strand). Cytogenetic location: 1p34.2.
Variant type: single nucleotide variant.
Coding change: c.7277C>T on transcript NM_001365999.1 (MANE Select); coding-DNA position 7277, C replaced by T.
Protein change: p.Ala2426Val; replaces alanine 2426 with valine.
Molecular consequence: missense variant.
Genome position (GRCh38, 1-based): chr1:43,440,519, C>T. VCF-style: chr1-43440519-C-T. GRCh37 (hg19) VCF-style: chr1-43906190-C-T.
Other names: c.7106C>T, p.Ala2369Val (NM_015284.4); short protein forms A2369V, A2426V.
Identifiers: ClinVar variation 2010082 (VCV002010082.4), dbSNP rs2545848565, ClinGen allele CA340034350.

ClinVar aggregate classification (germline): Uncertain significance (1 of 4 stars; one submission).

Submission:

Labcorp Genetics (formerly Invitae), Labcorp
Classification: Uncertain significance. Last evaluated: 2022-06-24. Review status: criteria provided, single submitter. Criteria: Invitae Variant Classification Sherloc (09022015). Collection method: clinical testing. Allele origin: germline.
Comment: In summary, the available evidence is currently insufficient to determine the role of this variant in disease. Therefore, it has been classified as a Variant of Uncertain Significance. Algorithms developed to predict the effect of missense changes on protein structure and function (SIFT, PolyPhen-2, Align-GVGD) all suggest that this variant is likely to be tolerated. This variant has not been reported in the literature in individuals affected with SZT2-related conditions. This variant is not present in population databases (gnomAD no frequency). This sequence change replaces alanine, which is neutral and non-polar, with valine, which is neutral and non-polar, at codon 2369 of the SZT2 protein (p.Ala2369Val).